The following is an entry in ClinVar:

ClinVar aggregate classification (germline): Likely benign (1 of 4 stars; one submission).

Allele frequency attached by ClinVar (database versions not stated): 1000 Genomes Project 0.00040; 1000 Genomes Project 30x 0.00062; TOPMed 0.00111; gnomAD exomes 0.00116; ESP Exome Variant Server 0.00157.
gnomAD v4.1: 942 of 797,802 alleles (0.12%); highest among the groups gnomAD compares: Middle Eastern, 0.35%; 1 homozygote.

Submission:

CeGaT Center for Human Genetics Tuebingen
Classification: Likely benign. Last evaluated: 2023-01-01. Review status: criteria provided, single submitter. Criteria: CeGaT Center For Human Genetics Tuebingen Variant Classification Criteria Version 2. Collection method: clinical testing. Allele origin: germline. Affected: yes. Observed: 2 variant alleles.
Comment: SH3TC1: BP4, BP7

NM_018986.5(SH3TC1):c.172+217G>A

Gene: SH3TC1 (SH3 domain and tetratricopeptide repeats 1; plus strand). Cytogenetic location: 4p16.1.
Variant type: single nucleotide variant.
Coding change: c.172+217G>A on transcript NM_018986.5 (MANE Select); 217 bases into the intron after coding-DNA position 172, G replaced by A.
Molecular consequence: intron variant.
Genome position (GRCh38, 1-based): chr4:8,205,583, G>A. VCF-style: chr4-8205583-G-A. GRCh37 (hg19) VCF-style: chr4-8207310-G-A.
Other names: c.172+217G>A (NM_001410712.1); c.-140+217G>A (NM_001318480.2).
Identifiers: ClinVar variation 2654645 (VCV002654645.24), dbSNP rs199884098, ClinGen allele CA2848624.